The following is an entry in ClinVar:

ClinVar aggregate classification (germline): Likely benign (1 of 4 stars; one submission).

Allele frequency attached by ClinVar (database versions not stated): ESP Exome Variant Server 0.00146; gnomAD 0.00181; TOPMed 0.00212; 1000 Genomes Project 30x 0.00219; gnomAD exomes 0.00229; ExAC 0.00232; 1000 Genomes Project 0.00240.
gnomAD v4.1: 3,701 of 1,613,440 alleles (0.23%); highest among the groups gnomAD compares: Middle Eastern, 0.88%; 15 homozygotes.

Submission:

CeGaT Center for Human Genetics Tuebingen
Classification: Likely benign. Last evaluated: 2022-08-01. Review status: criteria provided, single submitter. Criteria: CeGaT Center For Human Genetics Tuebingen Variant Classification Criteria Version 2. Collection method: clinical testing. Allele origin: germline. Affected: yes. Observed: 1 variant allele.
Comment: ZNF532: BP4

NM_001375912.1(ZNF532):c.2269T>C (p.Leu757=)

Gene: ZNF532 (zinc finger protein 532; plus strand). Cytogenetic location: 18q21.32.
Variant type: single nucleotide variant.
Coding change: c.2269T>C on transcript NM_001375912.1 (MANE Select); coding-DNA position 2269, T replaced by C.
Protein change: p.Leu757=; no amino-acid change (leucine 757 retained).
Molecular consequence: synonymous variant. On other transcripts: non-coding transcript variant (2).
Genome position (GRCh38, 1-based): chr18:58,920,556, T>C. VCF-style: chr18-58920556-T-C. GRCh37 (hg19) VCF-style: chr18-56587788-T-C.
Other names: c.2269T>C, p.Leu757= (NM_001318726.2, NM_001318727.2, NM_001318728.2 and 16 more transcripts).
Identifiers: ClinVar variation 2648766 (VCV002648766.24), dbSNP rs149632353, ClinGen allele CA8978515.